The following is an entry in ClinVar:

NM_000245.4(MET):c.590T>C (p.Val197Ala)

Gene: MET (MET proto-oncogene, receptor tyrosine kinase; plus strand). Cytogenetic location: 7q31.2.
Variant type: single nucleotide variant.
Coding change: c.590T>C on transcript NM_000245.4 (MANE Select); coding-DNA position 590, T replaced by C.
Protein change: p.Val197Ala; replaces valine 197 with alanine.
Molecular consequence: missense variant. On other transcripts: intron variant (1).
Genome position (GRCh38, 1-based): chr7:116,699,674, T>C. VCF-style: chr7-116699674-T-C. GRCh37 (hg19) VCF-style: chr7-116339728-T-C.
Other names: c.590T>C, p.Val197Ala (NM_001127500.3, NM_001324401.3); c.-91+27097T>C (NM_001324402.2); short protein forms V197A.
Identifiers: ClinVar variation 3872332 (VCV003872332.1).

ClinVar aggregate classification (germline): Uncertain significance (1 of 4 stars; one submission).

Conditions:
Hereditary cancer-predisposing syndrome. Also called: Tumor predisposition; Neoplastic Syndromes, Hereditary; Hereditary Cancer Syndrome; Hereditary neoplastic syndrome. Identifiers: Orphanet 140162, MedGen C0027672, MeSH D009386, MONDO:0015356.

gnomAD v4.1: 1 of 1,614,066 alleles (0.000062%); highest among the groups gnomAD compares: South Asian, 0.0011%; no homozygotes.

Submission:

Ambry Genetics
Classification: Uncertain significance for Hereditary cancer-predisposing syndrome. Last evaluated: 2025-03-04. Review status: criteria provided, single submitter. Criteria: Ambry Variant Classification Scheme 2023. Collection method: clinical testing. Allele origin: germline.
Comment: The p.V197A variant (also known as c.590T>C), located in coding exon 1 of the MET gene, results from a T to C substitution at nucleotide position 590. The valine at codon 197 is replaced by alanine, an amino acid with similar properties. This amino acid position is well conserved in available vertebrate species. In addition, this alteration is predicted to be tolerated by in silico analysis. Based on the available evidence, the clinical significance of this variant remains unclear.